The following is an entry in ClinVar:

ClinVar aggregate classification (germline): Likely benign (1 of 4 stars; one submission).

Conditions:
MYCBP2-related disorder. Also called: MYCBP2-related condition.

gnomAD v4.1: 19 of 1,538,540 alleles (0.0012%); highest among the groups gnomAD compares: South Asian, 0.01%; no homozygotes.

Submission:

PreventionGenetics, part of Exact Sciences
Classification: Likely benign for MYCBP2-related condition. Last evaluated: 2024-12-31. Review status: criteria provided, single submitter. Criteria: ACMG Guidelines, 2015. Collection method: clinical testing. Allele origin: germline.
Comment: This variant is classified as likely benign based on ACMG/AMP sequence variant interpretation guidelines (Richards et al. 2015 PMID: 25741868, with internal and published modifications).

NM_015057.5(MYCBP2):c.5134-10T>C

Gene: MYCBP2 (MYC binding protein 2; minus strand). Cytogenetic location: 13q22.3.
Variant type: single nucleotide variant.
Coding change: c.5134-10T>C on transcript NM_015057.5 (MANE Select); 10 bases into the intron before coding-DNA position 5134, T replaced by C.
Molecular consequence: intron variant.
Genome position (GRCh38, 1-based): chr13:77,177,964, A>G on the plus strand (T>C on the coding strand, the complement: MYCBP2 is on the minus strand). VCF-style: chr13-77177964-A-G. GRCh37 (hg19) VCF-style: chr13-77752099-A-G.
Identifiers: ClinVar variation 4980918 (VCV004980918.1).
Genomic context (GRCh38, chr13:77,177,964, plus strand): 5'-AAATCGGTTAGCACTAGCTTTTACAGAGTGAAGAGAATTAAGTCCATCAACCTGTGAACA[A>G]TAAAAGCAATTGTATCAGTAGTTGGTATACCTTTAACAAAACCATCCAAAGGTTTCTAAG-3'